The following is an entry in ClinVar:

ClinVar aggregate classification (germline): Pathogenic/Likely pathogenic. Review status: criteria provided, multiple submitters, no conflicts (2 of 4 stars). 3 submissions from 3 submitters: Pathogenic (2); Likely pathogenic (1). Last evaluated 2025-06-04.

Conditions:
SCN8A-related disorder.
Early-infantile DEE. Also called: Early infantile epileptic encephalopathy with suppression bursts; Early infantile epileptic encephalopathy; Ohtahara syndrome. Identifiers: Orphanet 1934, MedGen C0393706, MONDO:0800491.

Submissions (3):

GeneDx
Classification: Pathogenic. Last evaluated: 2025-06-04. Review status: criteria provided, single submitter. Criteria: GeneDx Variant Classification Process June 2021. Collection method: clinical testing. Allele origin: germline. Affected: yes.
Comment: Nonsense variant predicted to result in protein truncation or nonsense mediated decay in a gene for which loss of function is a known mechanism of disease; Not observed at significant frequency in large population cohorts (gnomAD); Has not been previously published as pathogenic or benign to our knowledge

Labcorp Genetics (formerly Invitae), Labcorp
Classification: Pathogenic for Early-infantile DEE. Last evaluated: 2024-03-18. Review status: criteria provided, single submitter. Criteria: Invitae Variant Classification Sherloc (09022015). Collection method: clinical testing. Allele origin: germline.
Comment: This sequence change creates a premature translational stop signal (p.Arg847*) in the SCN8A gene. It is expected to result in an absent or disrupted protein product. Loss-of-function variants in SCN8A are known to be pathogenic (PMID: 19254928, 32651551). This variant is not present in population databases (gnomAD no frequency). This variant has not been reported in the literature in individuals affected with SCN8A-related conditions. ClinVar contains an entry for this variant (Variation ID: 1318747). Algorithms developed to predict the effect of sequence changes on RNA splicing suggest that this variant may disrupt the consensus splice site. For these reasons, this variant has been classified as Pathogenic.

Blueprint Genetics
Classification: Likely pathogenic for SCN8A-related disorders. Last evaluated: 2020-07-13. Review status: criteria provided, single submitter. Criteria: ACMG Guidelines, 2015. Collection method: clinical testing. Allele origin: germline. Affected: yes. Observed: 1 variant allele.

Literature cited by the submitters: PubMed 19254928 (cited by Labcorp Genetics (formerly Invitae), Labcorp); PubMed 32651551 (cited by Labcorp Genetics (formerly Invitae), Labcorp).

NM_001330260.2(SCN8A):c.2539C>T (p.Arg847Ter)

Gene: SCN8A (sodium voltage-gated channel alpha subunit 8; plus strand). Cytogenetic location: 12q13.13.
Variant type: single nucleotide variant.
Coding change: c.2539C>T on transcript NM_001330260.2 (MANE Select); coding-DNA position 2539, C replaced by T.
Protein change: p.Arg847Ter; replaces arginine 847 with a stop codon.
Molecular consequence: nonsense.
Genome position (GRCh38, 1-based): chr12:51,762,671, C>T. VCF-style: chr12-51762671-C-T. GRCh37 (hg19) VCF-style: chr12-52156455-C-T.
Other names: c.2539C>T, p.Arg847Ter (NM_001177984.3, NM_001369788.1, NM_014191.4); short protein forms R847*.
Identifiers: ClinVar variation 1318747 (VCV001318747.6), dbSNP rs1555225532, ClinGen allele CA384884826.